The following is an entry in ClinVar:

NM_000540.3(RYR1):c.5746G>C (p.Gly1916Arg)

Gene: RYR1 (ryanodine receptor 1; plus strand). Cytogenetic location: 19q13.2.
Variant type: single nucleotide variant.
Coding change: c.5746G>C on transcript NM_000540.3 (MANE Select); coding-DNA position 5746, G replaced by C.
Protein change: p.Gly1916Arg; replaces glycine 1916 with arginine.
Molecular consequence: missense variant.
Genome position (GRCh38, 1-based): chr19:38,489,375, G>C. VCF-style: chr19-38489375-G-C. GRCh37 (hg19) VCF-style: chr19-38980015-G-C.
Other names: c.5746G>C, p.Gly1916Arg (NM_001042723.2); short protein forms G1916R.
Identifiers: ClinVar variation 1303488 (VCV001303488.2), dbSNP rs746965897, ClinGen allele CA067419.

ClinVar aggregate classification (germline): Uncertain significance (1 of 4 stars; one submission).

Allele frequency attached by ClinVar (database versions not stated): gnomAD 0.00001; TOPMed 0.00002.

Submission:

GeneDx
Classification: Uncertain significance. Last evaluated: 2021-03-08. Review status: criteria provided, single submitter. Criteria: GeneDx Variant Classification Process June 2021. Collection method: clinical testing. Allele origin: germline. Affected: yes.
Comment: In silico analysis supports that this missense variant does not alter protein structure/function; This variant is associated with the following publications: (PMID: 27353517)